The following is an entry in ClinVar:

NM_021625.5(TRPV4):c.1265C>A (p.Ser422Tyr)

Gene: TRPV4 (transient receptor potential cation channel subfamily V member 4; minus strand). Cytogenetic location: 12q24.11.
Variant type: single nucleotide variant.
Coding change: c.1265C>A on transcript NM_021625.5 (MANE Select); coding-DNA position 1265, C replaced by A.
Protein change: p.Ser422Tyr; replaces serine 422 with tyrosine.
Molecular consequence: missense variant. On other transcripts: intron variant (2).
Genome position (GRCh38, 1-based): chr12:109,796,592, G>T on the plus strand (C>A on the coding strand, the complement: TRPV4 is on the minus strand). VCF-style: chr12-109796592-G-T. GRCh37 (hg19) VCF-style: chr12-110234397-G-T.
Other names: c.1124C>A, p.Ser375Tyr (NM_001177428.2); c.1163C>A, p.Ser388Tyr (NM_001177431.2); c.1011+2022C>A (NM_001177433.1); c.1152+2022C>A (NM_147204.2); short protein forms S422Y, S375Y, S388Y.
Identifiers: ClinVar variation 963618 (VCV000963618.9), dbSNP rs1890416175, ClinGen allele CA386653606.

ClinVar aggregate classification (germline): Uncertain significance (1 of 4 stars; one submission).

Conditions:
Charcot-Marie-Tooth disease axonal type 2C (HMSN2C). Also called: Charcot-Marie-Tooth Disease Type 2, TRPV4-Related (CMT2C); CHARCOT-MARIE-TOOTH DISEASE, AXONAL, AUTOSOMAL DOMINANT, TYPE 2C; Charcot-Marie-Tooth Neuropathy Type 2C. Identifiers: Orphanet 99937, MedGen C1853710, MONDO:0011633, OMIM 606071.

Submission:

Labcorp Genetics (formerly Invitae), Labcorp
Classification: Uncertain significance for Charcot-Marie-Tooth disease axonal type 2C. Last evaluated: 2023-08-24. Review status: criteria provided, single submitter. Criteria: Invitae Variant Classification Sherloc (09022015). Collection method: clinical testing. Allele origin: germline.
Comment: In summary, the available evidence is currently insufficient to determine the role of this variant in disease. Therefore, it has been classified as a Variant of Uncertain Significance. Advanced modeling of protein sequence and biophysical properties (such as structural, functional, and spatial information, amino acid conservation, physicochemical variation, residue mobility, and thermodynamic stability) has been performed at Invitae for this missense variant, however the output from this modeling did not meet the statistical confidence thresholds required to predict the impact of this variant on TRPV4 protein function. ClinVar contains an entry for this variant (Variation ID: 963618). This variant has not been reported in the literature in individuals affected with TRPV4-related conditions. This variant is not present in population databases (gnomAD no frequency). This sequence change replaces serine, which is neutral and polar, with tyrosine, which is neutral and polar, at codon 422 of the TRPV4 protein (p.Ser422Tyr).